The following is an entry in ClinVar:

NM_003119.4(SPG7):c.474C>T (p.Leu158=)

Gene: SPG7 (SPG7 matrix AAA peptidase subunit, paraplegin; plus strand). Cytogenetic location: 16q24.3.
Variant type: single nucleotide variant.
Coding change: c.474C>T on transcript NM_003119.4 (MANE Select); coding-DNA position 474, C replaced by T.
Protein change: p.Leu158=; no amino-acid change (leucine 158 retained).
Molecular consequence: synonymous variant.
Genome position (GRCh38, 1-based): chr16:89,524,103, C>T. VCF-style: chr16-89524103-C-T. GRCh37 (hg19) VCF-style: chr16-89590511-C-T.
Other names: c.474C>T, p.Leu158= (NM_001363850.1, NM_199367.3).
Identifiers: ClinVar variation 697395 (VCV000697395.10), dbSNP rs139742860, ClinGen allele CA8243653.

ClinVar aggregate classification (germline): Likely benign. Review status: criteria provided, multiple submitters, no conflicts (2 of 4 stars). 3 submissions from 3 submitters: Likely benign (3). Last evaluated 2026-04-30.

Conditions:
Hereditary spastic paraplegia 7 (SPG7). Also called: Autosomal recessive spastic paraplegia type 7; SPG7-related neurologic disorder; SPASTIC PARAPLEGIA 7, AUTOSOMAL RECESSIVE, WITH OR WITHOUT CEREBELLAR ATAXIA; Spastic paraplegia 7; Hereditary spastic paraplegia Paraplegin type. Identifiers: Orphanet 99013, MedGen C1846564, MONDO:0011803, OMIM 607259.
SPG7-related disorder. Also called: SPG7-related condition.

Allele frequency attached by ClinVar (database versions not stated): gnomAD exomes 0.00008 and 0.00003; ESP Exome Variant Server 0.00031; gnomAD 0.00034 and 0.00038; TOPMed 0.00040; ExAC 0.00008.
gnomAD v4.1: 103 of 1,614,102 alleles (0.0064%); highest among the groups gnomAD compares: African/African-American, 0.12%; no homozygotes.

Submissions (3):

PreventionGenetics, part of Exact Sciences
Classification: Likely benign for SPG7-related condition. Last evaluated: 2026-04-30. Review status: criteria provided, single submitter. Criteria: ACMG Guidelines, 2015. Collection method: clinical testing. Allele origin: germline.
Comment: This variant is classified as likely benign based on ACMG/AMP sequence variant interpretation guidelines (Richards et al. 2015 PMID: 25741868, with internal and published modifications).

Labcorp Genetics (formerly Invitae), Labcorp
Classification: Likely benign for Hereditary spastic paraplegia 7. Last evaluated: 2025-06-18. Review status: criteria provided, single submitter. Criteria: Invitae Variant Classification Sherloc (09022015). Collection method: clinical testing. Allele origin: germline.

Blueprint Genetics
Classification: Likely benign. Last evaluated: 2024-02-07. Review status: criteria provided, single submitter. Criteria: ACMG Guidelines, 2015. Collection method: clinical testing. Allele origin: germline.